The following is an entry in ClinVar:

ClinVar aggregate classification (germline): Uncertain significance. Review status: criteria provided, single submitter (1 of 4 stars). 2 submissions from 2 submitters: Uncertain significance (1). 1 of the submissions does not count toward it. Last evaluated 2024-03-11.

Conditions:
Leber congenital amaurosis 5 (LCA5). Also called: Amaurosis congenita of Leber, type 5. Identifiers: Orphanet 65, MedGen C1858301, MONDO:0011473, OMIM 604537.

Allele frequency attached by ClinVar (database versions not stated): ExAC 0.00001; gnomAD 0.00001; gnomAD exomes 0.00001 and 0.00003; TOPMed 0.00001.
gnomAD v4.1: 50 of 1,613,430 alleles (0.0031%); highest among the groups gnomAD compares: Non-Finnish European, 0.0042%; no homozygotes.

Submissions (2):

Labcorp Genetics (formerly Invitae), Labcorp
Classification: Uncertain significance. Last evaluated: 2024-03-11. Review status: criteria provided, single submitter. Criteria: Invitae Variant Classification Sherloc (09022015). Collection method: clinical testing. Allele origin: germline.
Comment: This sequence change replaces glutamic acid, which is acidic and polar, with glutamine, which is neutral and polar, at codon 229 of the LCA5 protein (p.Glu229Gln). This variant is present in population databases (rs770888765, gnomAD 0.003%). This variant has not been reported in the literature in individuals affected with LCA5-related conditions. ClinVar contains an entry for this variant (Variation ID: 967272). Advanced modeling of protein sequence and biophysical properties (such as structural, functional, and spatial information, amino acid conservation, physicochemical variation, residue mobility, and thermodynamic stability) has been performed at Invitae for this missense variant, however the output from this modeling did not meet the statistical confidence thresholds required to predict the impact of this variant on LCA5 protein function. In summary, the available evidence is currently insufficient to determine the role of this variant in disease. Therefore, it has been classified as a Variant of Uncertain Significance.

Natera, Inc.
Classification: Uncertain significance for Leber congenital amaurosis type 5. Last evaluated: 2021-02-02. Review status: no assertion criteria provided. Collection method: clinical testing. Allele origin: germline. Not counted in ClinVar's aggregate classification.

NM_001122769.3(LCA5):c.685G>C (p.Glu229Gln)

Gene: LCA5 (lebercilin LCA5; minus strand). Cytogenetic location: 6q14.1.
Variant type: single nucleotide variant.
Coding change: c.685G>C on transcript NM_001122769.3 (MANE Select); coding-DNA position 685, G replaced by C.
Protein change: p.Glu229Gln; replaces glutamic acid 229 with glutamine.
Molecular consequence: missense variant.
Genome position (GRCh38, 1-based): chr6:79,513,247, C>G on the plus strand (G>C on the coding strand, the complement: LCA5 is on the minus strand). VCF-style: chr6-79513247-C-G. GRCh37 (hg19) VCF-style: chr6-80222964-C-G.
Other names: c.685G>C, p.Glu229Gln (NM_181714.4); short protein forms E229Q.
Identifiers: ClinVar variation 967272 (VCV000967272.8), dbSNP rs770888765, ClinGen allele CA3901073.